The following is an entry in ClinVar:

ClinVar aggregate classification (germline): Uncertain significance. Review status: criteria provided, multiple submitters, no conflicts (2 of 4 stars). 3 submissions from 3 submitters: Uncertain significance (3). Last evaluated 2023-12-19.

Conditions:
Hereditary cancer-predisposing syndrome. Also called: Tumor predisposition; Neoplastic Syndromes, Hereditary; Hereditary Cancer Syndrome; Hereditary neoplastic syndrome. Identifiers: Orphanet 140162, MedGen C0027672, MeSH D009386, MONDO:0015356.
Tuberous sclerosis 2 (TSC2). Identifiers: Orphanet 805, MedGen C1860707, MONDO:0013199, OMIM 613254.

Allele frequency attached by ClinVar (database versions not stated): gnomAD exomes below 0.00001.
gnomAD v4.1: 1 of 1,611,536 alleles (0.000062%); highest among the groups gnomAD compares: East Asian, 0.0022%; no homozygotes.

Submissions (3):

Labcorp Genetics (formerly Invitae), Labcorp
Classification: Uncertain significance for Tuberous sclerosis 2. Last evaluated: 2023-12-19. Review status: criteria provided, single submitter. Criteria: Invitae Variant Classification Sherloc (09022015). Collection method: clinical testing. Allele origin: germline.
Comment: This sequence change replaces aspartic acid, which is acidic and polar, with glycine, which is neutral and non-polar, at codon 1327 of the TSC2 protein (p.Asp1327Gly). This variant is not present in population databases (gnomAD no frequency). This variant has not been reported in the literature in individuals affected with TSC2-related conditions. ClinVar contains an entry for this variant (Variation ID: 486671). Advanced modeling of protein sequence and biophysical properties (such as structural, functional, and spatial information, amino acid conservation, physicochemical variation, residue mobility, and thermodynamic stability) performed at Invitae indicates that this missense variant is not expected to disrupt TSC2 protein function with a negative predictive value of 95%. In summary, the available evidence is currently insufficient to determine the role of this variant in disease. Therefore, it has been classified as a Variant of Uncertain Significance.

Genome-Nilou Lab
Classification: Uncertain significance for Tuberous sclerosis 2. Last evaluated: 2021-11-07. Review status: criteria provided, single submitter. Criteria: ACMG Guidelines, 2015. Collection method: clinical testing. Allele origin: germline. Affected: no.

Ambry Genetics
Classification: Uncertain significance for Hereditary cancer-predisposing syndrome. Last evaluated: 2016-08-12. Review status: criteria provided, single submitter. Criteria: Ambry Variant Classification Scheme 2023. Collection method: clinical testing. Allele origin: germline.
Comment: The p.D1327G variant (also known as c.3980A>G), located in coding exon 32 of the TSC2 gene, results from an A to G substitution at nucleotide position 3980. The aspartic acid at codon 1327 is replaced by glycine, an amino acid with similar properties. This variant was not reported in population based cohorts in the following databases: Database of Single Nucleotide Polymorphisms (dbSNP), NHLBI Exome Sequencing Project (ESP), and 1000 Genomes Project. In the ESP, this variant was not observed in 6481 samples (12962 alleles) with coverage at this position. To date, this alteration has been detected with an allele frequency of approximately 0.006% (greater than 20000 alleles tested) in our clinical cohort. This amino acid position is not well conserved in available vertebrate species. In addition, the in silico prediction for this alteration is inconclusive. Since supporting evidence is limited at this time, the clinical significance of this alteration remains unclear.

NM_000548.5(TSC2):c.3980A>G (p.Asp1327Gly)

Gene: TSC2 (TSC complex subunit 2; plus strand). Cytogenetic location: 16p13.3.
Variant type: single nucleotide variant.
Coding change: c.3980A>G on transcript NM_000548.5 (MANE Select); coding-DNA position 3980, A replaced by G.
Protein change: p.Asp1327Gly; replaces aspartic acid 1327 with glycine.
Molecular consequence: missense variant.
Genome position (GRCh38, 1-based): chr16:2,083,791, A>G. VCF-style: chr16-2083791-A-G. GRCh37 (hg19) VCF-style: chr16-2133792-A-G.
Other names: c.3779A>G, p.Asp1260Gly (NM_001077183.3); c.3911A>G, p.Asp1304Gly (NM_001114382.3); c.3671A>G, p.Asp1224Gly (NM_001318827.2); c.3635A>G, p.Asp1212Gly (NM_001318829.2); c.3248A>G, p.Asp1083Gly (NM_001318831.2); c.3812A>G, p.Asp1271Gly (NM_001318832.2); c.3782A>G, p.Asp1261Gly (NM_001363528.2); c.3848A>G, p.Asp1283Gly (NM_001370404.1); and 1 more; short protein forms D1327G, D1261G, D1284G, D1224G, D1260G, D1283G, D1304G, D1212G.
Identifiers: ClinVar variation 486671 (VCV000486671.17), dbSNP rs1555513553, ClinGen allele CA394297603.